The following is an entry in ClinVar:

ClinVar aggregate classification (germline): Uncertain significance. Review status: criteria provided, multiple submitters, no conflicts (2 of 4 stars). 2 submissions from 2 submitters: Uncertain significance (2). Last evaluated 2023-11-13.

Conditions:
Inborn genetic diseases. Identifiers: MedGen C0950123, MeSH D030342.

Submissions (2):

Ambry Genetics
Classification: Uncertain significance for Inborn genetic diseases. Last evaluated: 2023-11-13. Review status: criteria provided, single submitter. Criteria: Ambry Variant Classification Scheme 2023. Collection method: clinical testing. Allele origin: germline.

Labcorp Genetics (formerly Invitae), Labcorp
Classification: Uncertain significance. Last evaluated: 2020-03-19. Review status: criteria provided, single submitter. Criteria: Invitae Variant Classification Sherloc (09022015). Collection method: clinical testing. Allele origin: germline.
Comment: This variant has not been reported in the literature in individuals with RGS9-related conditions. This variant is not present in population databases (ExAC no frequency). This sequence change replaces aspartic acid with asparagine at codon 261 of the RGS9 protein (p.Asp261Asn). The aspartic acid residue is moderately conserved and there is a small physicochemical difference between aspartic acid and asparagine. In summary, the available evidence is currently insufficient to determine the role of this variant in disease. Therefore, it has been classified as a Variant of Uncertain Significance. Algorithms developed to predict the effect of missense changes on protein structure and function are either unavailable or do not agree on the potential impact of this missense change (SIFT: "Deleterious"; PolyPhen-2: "Probably Damaging"; Align-GVGD: "Class C0").

NM_003835.4(RGS9):c.781G>A (p.Asp261Asn)

Gene: RGS9 (regulator of G protein signaling 9; plus strand). Cytogenetic location: 17q24.1.
Variant type: single nucleotide variant.
Coding change: c.781G>A on transcript NM_003835.4 (MANE Select); coding-DNA position 781, G replaced by A.
Protein change: p.Asp261Asn; replaces aspartic acid 261 with asparagine.
Molecular consequence: missense variant.
Genome position (GRCh38, 1-based): chr17:65,193,577, G>A. VCF-style: chr17-65193577-G-A. GRCh37 (hg19) VCF-style: chr17-63189695-G-A.
Other names: c.772G>A, p.Asp258Asn (NM_001081955.3, NM_001165933.2); c.781G>A (NM_003835.3); short protein forms D258N, D261N.
Identifiers: ClinVar variation 1020233 (VCV001020233.9), dbSNP rs1025115746, ClinGen allele CA400665482.